The following is an entry in ClinVar:

NM_015259.6(ICOSLG):c.715A>G (p.Arg239Gly)

Gene: ICOSLG (inducible T cell costimulator ligand; minus strand). Cytogenetic location: 21q22.3.
Variant type: single nucleotide variant.
Coding change: c.715A>G on transcript NM_015259.6 (MANE Select); coding-DNA position 715, A replaced by G.
Protein change: p.Arg239Gly; replaces arginine 239 with glycine.
Molecular consequence: missense variant.
Genome position (GRCh38, 1-based): chr21:44,231,427, T>C on the plus strand (A>G on the coding strand, the complement: ICOSLG is on the minus strand). VCF-style: chr21-44231427-T-C. GRCh37 (hg19) VCF-style: chr21-45651310-T-C.
Other names: c.715A>G, p.Arg239Gly (NM_001283050.2); c.364A>G, p.Arg122Gly (NM_001283051.2); c.460A>G, p.Arg154Gly (NM_001283052.2); c.634A>G, p.Arg212Gly (NM_001365759.2); short protein forms R154G, R239G, R212G, R122G.
Identifiers: ClinVar variation 1047134 (VCV001047134.8), dbSNP rs2040049206, ClinGen allele CA410613642.

ClinVar aggregate classification (germline): Uncertain significance (1 of 4 stars; one submission).

Submission:

Labcorp Genetics (formerly Invitae), Labcorp
Classification: Uncertain significance. Last evaluated: 2021-02-18. Review status: criteria provided, single submitter. Criteria: Invitae Variant Classification Sherloc (09022015). Collection method: clinical testing. Allele origin: germline.
Comment: In summary, the available evidence is currently insufficient to determine the role of this variant in disease. Therefore, it has been classified as a Variant of Uncertain Significance. Algorithms developed to predict the effect of missense changes on protein structure and function (SIFT, PolyPhen-2, Align-GVGD) all suggest that this variant is likely to be tolerated, but these predictions have not been confirmed by published functional studies and their clinical significance is uncertain. This variant has not been reported in the literature in individuals with ICOSLG-related conditions. This variant is not present in population databases (ExAC no frequency). This sequence change replaces arginine with glycine at codon 239 of the ICOSLG protein (p.Arg239Gly). The arginine residue is weakly conserved and there is a moderate physicochemical difference between arginine and glycine.